The following is an entry in ClinVar:

ClinVar aggregate classification (germline): Likely pathogenic. Review status: criteria provided, single submitter (1 of 4 stars). 2 submissions from 1 submitter: Likely pathogenic (2). Last evaluated 2017-01-01.

Conditions:
Severe photosensitivity. Identifiers: MedGen C1849186, HP:0007537.
Macular dystrophy. Identifiers: MedGen C0730292, HP:0007754.
Adult-onset night blindness. Identifiers: MedGen C4024790, HP:0007830.
Retinitis pigmentosa 26 (RP26). Identifiers: Orphanet 791, MedGen C1842127, MONDO:0012024, OMIM 608380.

Submissions (2):

Centre for Mendelian Genomics, University Medical Centre Ljubljana
Classification: Likely pathogenic for Adult-onset night blindness; Macular dystrophy; Severe photosensitivity. Last evaluated: 2017-01-01. Review status: criteria provided, single submitter. Criteria: ACMG Guidelines, 2015. Collection method: clinical testing. Allele origin: unknown. Affected: yes.

Centre for Mendelian Genomics, University Medical Centre Ljubljana
Classification: Likely pathogenic for Retinitis pigmentosa 26. Last evaluated: 2016-01-01. Review status: criteria provided, single submitter. Criteria: ACMG Guidelines, 2015. Collection method: clinical testing. Allele origin: unknown. Affected: yes.
Comment: This variant was classified as: Likely pathogenic. This variant was detected in homozygous state.

NM_201548.5(CERKL):c.677+3A>G

Gene: CERKL (CERK like autophagy regulator; minus strand). Cytogenetic location: 2q31.3.
Variant type: single nucleotide variant.
Coding change: c.677+3A>G on transcript NM_201548.5 (MANE Select); 3 bases into the intron after coding-DNA position 677, A replaced by G.
Molecular consequence: intron variant.
Genome position (GRCh38, 1-based): chr2:181,566,055, T>C on the plus strand (A>G on the coding strand, the complement: CERKL is on the minus strand). VCF-style: chr2-181566055-T-C. GRCh37 (hg19) VCF-style: chr2-182430782-T-C.
Other names: c.482-16347A>G (NM_001030312.3); c.545+3A>G (NM_001160277.2); c.613+7698A>G (NM_001030313.3); c.677+3A>G (NM_001030311.3).
Identifiers: ClinVar variation 523394 (VCV000523394.4), dbSNP rs1553515435, ClinGen allele CA658796090.
Genomic context (GRCh38, chr2:181,566,055, plus strand): 5'-AAACTAGTGAAGGCATTTAATACATAAATGATATAACATATATTGATTAATAATATAACC[T>C]ACCCATCAAATCCCTGGAGTTCACATTCCTTAAGCAGTGACAGAGCGTGCCCTTCATATT-3'